The following is an entry in ClinVar:

ClinVar aggregate classification (germline): Uncertain significance (1 of 4 stars; one submission).

Conditions:
Hereditary cancer-predisposing syndrome. Also called: Tumor predisposition; Hereditary neoplastic syndrome; Neoplastic Syndromes, Hereditary; Hereditary Cancer Syndrome. Identifiers: Orphanet 140162, MedGen C0027672, MeSH D009386, MONDO:0015356.

Submission:

Ambry Genetics
Classification: Uncertain significance for Hereditary cancer-predisposing syndrome. Last evaluated: 2025-05-24. Review status: criteria provided, single submitter. Criteria: Ambry Variant Classification Scheme 2023. Collection method: clinical testing. Allele origin: germline.
Comment: The p.V817M variant (also known as c.2449G>A), located in coding exon 10 of the AXIN2 gene, results from a G to A substitution at nucleotide position 2449. The valine at codon 817 is replaced by methionine, an amino acid with highly similar properties. This amino acid position is conserved. In addition, this alteration is predicted to be deleterious by in silico analysis. Based on the available evidence, the clinical significance of this variant remains unclear.

NM_004655.4(AXIN2):c.2449G>A (p.Val817Met)

Gene: AXIN2 (axin 2; minus strand). Cytogenetic location: 17q24.1.
Variant type: single nucleotide variant.
Coding change: c.2449G>A on transcript NM_004655.4 (MANE Select); coding-DNA position 2449, G replaced by A.
Protein change: p.Val817Met; replaces valine 817 with methionine.
Molecular consequence: missense variant.
Genome position (GRCh38, 1-based): chr17:65,530,059, C>T on the plus strand (G>A on the coding strand, the complement: AXIN2 is on the minus strand). VCF-style: chr17-65530059-C-T. GRCh37 (hg19) VCF-style: chr17-63526177-C-T.
Other names: c.2254G>A, p.Val752Met (NM_001363813.1); short protein forms V817M, V752M.
Identifiers: ClinVar variation 3981170 (VCV003981170.1).